The following is an entry in ClinVar:

NM_025114.4(CEP290):c.6120A>G (p.Thr2040=)

Gene: CEP290 (centrosomal protein 290; minus strand). Cytogenetic location: 12q21.32.
Variant type: single nucleotide variant.
Coding change: c.6120A>G on transcript NM_025114.4 (MANE Select); coding-DNA position 6120, A replaced by G.
Protein change: p.Thr2040=; no amino-acid change (threonine 2040 retained).
Molecular consequence: synonymous variant.
Genome position (GRCh38, 1-based): chr12:88,068,537, T>C on the plus strand (A>G on the coding strand, the complement: CEP290 is on the minus strand). VCF-style: chr12-88068537-T-C. GRCh37 (hg19) VCF-style: chr12-88462314-T-C.
Identifiers: ClinVar variation 1101437 (VCV001101437.12), dbSNP rs766265410, ClinGen allele CA6711572.
Genomic context (GRCh38, chr12:88,068,537, plus strand): 5'-TTTAACATGGAAAAAAGAAAAAAATAATAAAAGATATACACTTACTGAAGGCTTAGAATA[T>C]GTATCCTTTGAAAACTGTTTTTCTAAAGCATGAAGTTTTTCTTGGAGGTATCTATTTTGT-3'
Protein context (NP_079390.3, residues 2030-2050): HALEKQFSKD[Thr2040=]YSKPSISGIE

ClinVar aggregate classification (germline): Conflicting classifications of pathogenicity. Review status: criteria provided, conflicting classifications (1 of 4 stars). 3 submissions from 3 submitters: Uncertain significance (1); Likely benign (1). 1 of the submissions does not count toward it. Last evaluated 2025-04-07.

Conditions:
CEP290-related disorder. Also called: CEP290-related disorders; CEP290-related condition. Identifiers: MedGen CN239314.
Joubert syndrome. Also called: CEREBELLOPARENCHYMAL DISORDER IV; JOUBERT-BOLTSHAUSER SYNDROME; Familial aplasia of the vermis. Identifiers: Orphanet 475, MedGen C5979921, MONDO:0018772.
Nephronophthisis. Also called: Juvenile Nephronophthisis. Identifiers: Orphanet 655, MedGen C0687120, MONDO:0019005, HP:0000090.
Meckel-Gruber syndrome. Also called: DYSENCEPHALIA SPLANCHNOCYSTICA; GRUBER SYNDROME; Dysencephalia splachnocystica. Identifiers: Orphanet 564, MedGen C0265215, MONDO:0018921.

Allele frequency attached by ClinVar (database versions not stated): ExAC 0.00001; gnomAD exomes 0.00001 and 0.00002; gnomAD 0.00002.
gnomAD v4.1: 14 of 1,557,504 alleles (0.0009%); highest among the groups gnomAD compares: Non-Finnish European, 0.0011%; no homozygotes.

Submissions (3):

Labcorp Genetics (formerly Invitae), Labcorp
Classification: Likely benign for Joubert syndrome; Meckel-Gruber syndrome; Nephronophthisis. Last evaluated: 2025-04-07. Review status: criteria provided, single submitter. Criteria: Invitae Variant Classification Sherloc (09022015). Collection method: clinical testing. Allele origin: germline.

Genetic Services Laboratory, University of Chicago
Classification: Uncertain significance. Last evaluated: 2018-02-08. Review status: criteria provided, single submitter. Criteria: ACMG Guidelines, 2015. Collection method: clinical testing. Allele origin: germline. Affected: no.

PreventionGenetics, part of Exact Sciences
Classification: Likely benign for CEP290-related condition. Last evaluated: 2021-01-05. Review status: no assertion criteria provided. Collection method: clinical testing. Allele origin: germline. Not counted in ClinVar's aggregate classification.
Comment: This variant is classified as likely benign based on ACMG/AMP sequence variant interpretation guidelines (Richards et al. 2015 PMID: 25741868, with internal and published modifications).